The following is an entry in ClinVar:

NM_000059.4(BRCA2):c.8725A>T (p.Lys2909Ter)

Gene: BRCA2 (BRCA2 DNA repair associated; plus strand). Cytogenetic location: 13q13.1.
Variant type: single nucleotide variant.
Coding change: c.8725A>T on transcript NM_000059.4 (MANE Select); coding-DNA position 8725, A replaced by T.
Protein change: p.Lys2909Ter; replaces lysine 2909 with a stop codon.
Molecular consequence: nonsense.
Genome position (GRCh38, 1-based): chr13:32,376,762, A>T. VCF-style: chr13-32376762-A-T. GRCh37 (hg19) VCF-style: chr13-32950899-A-T.
Other names: short protein forms K2909*.
Identifiers: ClinVar variation 928154 (VCV000928154.9), dbSNP rs2072875960, ClinGen allele CA387754972.

ClinVar aggregate classification (germline): Pathogenic. Review status: criteria provided, multiple submitters, no conflicts (2 of 4 stars). 4 submissions from 4 submitters: Pathogenic (4). Last evaluated 2025-06-02.

Conditions:
Hereditary cancer-predisposing syndrome. Also called: Tumor predisposition; Hereditary neoplastic syndrome; Neoplastic Syndromes, Hereditary; Hereditary Cancer Syndrome. Identifiers: Orphanet 140162, MedGen C0027672, MeSH D009386, MONDO:0015356.
Breast-ovarian cancer, familial, susceptibility to, 2 (BROVCA2). Also called: BRCA2 Hereditary Breast and Ovarian Cancer. Identifiers: Orphanet 145, MedGen C2675520, MONDO:0012933, OMIM 612555. Disease mechanism: loss of function.
Familial cancer of breast. Also called: Hereditary breast cancer; hereditary breast carcinoma; BREAST CANCER, FAMILIAL. Identifiers: Orphanet 227535, MedGen C0346153, MONDO:0016419, OMIM 114480. Disease mechanism: loss of function.
Hereditary breast ovarian cancer syndrome. Also called: Hereditary breast and ovarian cancer syndrome (HBOC); Breast and ovarian cancer; Hereditary breast and ovarian cancer; Hereditary breast and/or ovarian cancer syndrome; BRCA1- and BRCA2-Associated Hereditary Breast and Ovarian Cancer; Hereditary breast and ovarian cancer syndrome. Identifiers: Orphanet 145, MedGen C0677776, MeSH D061325, MONDO:0003582. Disease mechanism: loss of function.

Submissions (4):

Labcorp Genetics (formerly Invitae), Labcorp
Classification: Pathogenic for Hereditary breast ovarian cancer syndrome. Last evaluated: 2025-06-02. Review status: criteria provided, single submitter. Criteria: Invitae Variant Classification Sherloc (09022015). Collection method: clinical testing. Allele origin: germline.
Comment: This sequence change creates a premature translational stop signal (p.Lys2909*) in the BRCA2 gene. It is expected to result in an absent or disrupted protein product. Loss-of-function variants in BRCA2 are known to be pathogenic (PMID: 20104584). This variant is not present in population databases (gnomAD no frequency). This variant has not been reported in the literature in individuals affected with BRCA2-related conditions. ClinVar contains an entry for this variant (Variation ID: 928154). Algorithms developed to predict the effect of sequence changes on RNA splicing suggest that this variant may disrupt the consensus splice site. For these reasons, this variant has been classified as Pathogenic.

Mendelics
Classification: Pathogenic for Familial cancer of breast. Last evaluated: 2022-05-04. Review status: criteria provided, single submitter. Criteria: Mendelics Assertion Criteria 2019. Collection method: clinical testing. Allele origin: germline.

Color Diagnostics, LLC DBA Color Health
Classification: Pathogenic for Hereditary cancer-predisposing syndrome. Last evaluated: 2020-02-27. Review status: criteria provided, single submitter. Criteria: ACMG Guidelines, 2015. Collection method: clinical testing. Allele origin: germline.
Comment: This variant changes 1 nucleotide in exon 21 of the BRCA2 gene, creating a premature translation stop signal. This variant is expected to result in an absent or non-functional protein product. To our knowledge, this variant has not been reported in individuals affected with hereditary cancer in the literature. This variant has not been identified in the general population by the Genome Aggregation Database (gnomAD). Loss of BRCA2 function is a known mechanism of disease. Based on the available evidence, this variant is classified as Pathogenic.

Genesis Genomics
Classification: Pathogenic for Breast-ovarian cancer, familial, susceptibility to, 2. Review status: criteria provided, single submitter. Criteria: ACMG Guidelines, 2015. Collection method: clinical testing. Allele origin: germline. Affected: yes. Observed: 1 variant allele.

Literature cited by the submitters: PubMed 20104584 (cited by Labcorp Genetics (formerly Invitae), Labcorp).